The following is an entry in ClinVar:

ClinVar aggregate classification (germline): Uncertain significance. Review status: criteria provided, multiple submitters, no conflicts (2 of 4 stars). 6 submissions from 6 submitters: Uncertain significance (5). 1 of the submissions does not count toward it. Last evaluated 2025-06-29.

Conditions:
FLNB-related disorder. Also called: FLNB-related disorders; FLNB-related condition. Identifiers: MedGen CN381095.
Inborn genetic diseases. Identifiers: MedGen C0950123, MeSH D030342.
FLNB-Related Spectrum Disorders.

Allele frequency attached by ClinVar (database versions not stated): gnomAD exomes 0.00008 and 0.00009; ExAC 0.00009; gnomAD 0.00006 and 0.00007; TOPMed 0.00005.
gnomAD v4.1: 143 of 1,614,160 alleles (0.0089%); highest among the groups gnomAD compares: Admixed American, 0.015%; 1 homozygote.

Submissions (6):

Labcorp Genetics (formerly Invitae), Labcorp
Classification: Uncertain significance. Last evaluated: 2025-06-29. Review status: criteria provided, single submitter. Criteria: Invitae Variant Classification Sherloc (09022015). Collection method: clinical testing. Allele origin: germline.
Comment: This sequence change replaces valine, which is neutral and non-polar, with isoleucine, which is neutral and non-polar, at codon 2564 of the FLNB protein (p.Val2564Ile). This variant is present in population databases (rs759652781, gnomAD 0.02%). This variant has not been reported in the literature in individuals affected with FLNB-related conditions. ClinVar contains an entry for this variant (Variation ID: 900881). Invitae Evidence Modeling of protein sequence and biophysical properties (such as structural, functional, and spatial information, amino acid conservation, physicochemical variation, residue mobility, and thermodynamic stability) indicates that this missense variant is not expected to disrupt FLNB protein function with a negative predictive value of 95%. In summary, the available evidence is currently insufficient to determine the role of this variant in disease. Therefore, it has been classified as a Variant of Uncertain Significance.

GeneDx
Classification: Uncertain significance. Last evaluated: 2024-09-26. Review status: criteria provided, single submitter. Criteria: GeneDx Variant Classification Process June 2021. Collection method: clinical testing. Allele origin: germline. Affected: yes.
Comment: In silico analysis indicates that this missense variant does not alter protein structure/function; Has not been previously published as pathogenic or benign to our knowledge

Ambry Genetics
Classification: Uncertain significance for Inborn genetic diseases. Last evaluated: 2023-10-05. Review status: criteria provided, single submitter. Criteria: Ambry Variant Classification Scheme 2023. Collection method: clinical testing. Allele origin: germline.

ARUP Laboratories, Molecular Genetics and Genomics, ARUP Laboratories
Classification: Uncertain significance. Last evaluated: 2020-04-06. Review status: criteria provided, single submitter. Criteria: ARUP Molecular Germline Variant Investigation Process. Collection method: clinical testing. Allele origin: germline.
Comment: The FLNB c.7690G>A; p.Val2564Ile variant (rs759652781), to our knowledge, is not reported in the medical literature or gene-specific databases. This variant is found in the Latino population with an overall allele frequency of 0.02% (6/35438 alleles) in the Genome Aggregation Database. The valine at codon 2564 is moderately conserved, and computational analyses (SIFT, PolyPhen-2) predict that this variant is tolerated. However, due to limited information, the clinical significance of the p.Val2564Ile variant is uncertain at this time.

Illumina Laboratory Services, Illumina
Classification: Uncertain significance for FLNB-Related Spectrum Disorders. Last evaluated: 2018-01-13. Review status: criteria provided, single submitter. Criteria: ICSL Variant Classification Criteria 13 December 2019. Collection method: clinical testing. Allele origin: germline.

PreventionGenetics, part of Exact Sciences
Classification: Uncertain significance for FLNB-related condition. Last evaluated: 2024-08-02. Review status: no assertion criteria provided. Collection method: clinical testing. Allele origin: germline. Not counted in ClinVar's aggregate classification.
Comment: The FLNB c.7690G>A variant is predicted to result in the amino acid substitution p.Val2564Ile. To our knowledge, this variant has not been reported in the literature. This variant is reported in 0.017% of alleles in individuals of Latino descent in gnomAD. At this time, the clinical significance of this variant is uncertain due to the absence of conclusive functional and genetic evidence.

NM_001457.4(FLNB):c.7690G>A (p.Val2564Ile)

Gene: FLNB (filamin B; plus strand). Cytogenetic location: 3p14.3.
Variant type: single nucleotide variant.
Coding change: c.7690G>A on transcript NM_001457.4 (MANE Select); coding-DNA position 7690, G replaced by A.
Protein change: p.Val2564Ile; replaces valine 2564 with isoleucine.
Molecular consequence: missense variant.
Genome position (GRCh38, 1-based): chr3:58,170,643, G>A. VCF-style: chr3-58170643-G-A. GRCh37 (hg19) VCF-style: chr3-58156370-G-A.
Other names: c.7783G>A, p.Val2595Ile (NM_001164317.2); c.7657G>A, p.Val2553Ile (NM_001164318.2); c.7618G>A, p.Val2540Ile (NM_001164319.2); short protein forms V2553I, V2595I, V2540I, V2564I.
Identifiers: ClinVar variation 900881 (VCV000900881.19), dbSNP rs759652781, ClinGen allele CA2469769.
Genomic context (GRCh38, chr3:58,170,643, plus strand): 5'-ATGCTGCTGATCGGGGTCCATGGGCCCACCACCCCCTGCGAGGAGGTCTCCATGAAGCAT[G>A]TAGGCAACCAGCAATACAACGTCACATACGTCGTCAAGGAGAGGGGCGATTATGTGCTGG-3'
Protein context (NP_001448.2, residues 2554-2574): TPCEEVSMKH[Val2564Ile]GNQQYNVTYV